The following is an entry in ClinVar:

ClinVar aggregate classification (germline): Pathogenic/Likely pathogenic. Review status: criteria provided, multiple submitters, no conflicts (2 of 4 stars). 2 submissions from 2 submitters: Pathogenic (1); Likely pathogenic (1). Last evaluated 2022-10-19.

Submissions (2):

Clinical Genetics Laboratory, Skane University Hospital Lund
Classification: Likely pathogenic. Last evaluated: 2022-10-19. Review status: criteria provided, single submitter. Criteria: ACMG Guidelines, 2015. Collection method: clinical testing. Allele origin: germline. Affected: yes.

GeneDx
Classification: Pathogenic. Last evaluated: 2018-11-21. Review status: criteria provided, single submitter. Criteria: GeneDx Variant Classification (06012015). Collection method: clinical testing. Allele origin: germline. Affected: yes.
Comment: The Q400X variant in the WAC gene has not been reported previously as a pathogenic variant nor as a benign variant, to our knowledge. This variant is predicted to cause loss of normal protein function either through protein truncation or nonsense-mediated mRNA decay. The Q400X variant is not observed in large population cohorts (Lek et al., 2016; 1000 Genomes Consortium et al., 2015; Exome Variant Server). We interpret Q400X as a pathogenic variant.

NM_016628.5(WAC):c.1198C>T (p.Gln400Ter)

Gene: WAC (WW domain containing adaptor with coiled-coil; plus strand). Cytogenetic location: 10p12.1.
Variant type: single nucleotide variant.
Coding change: c.1198C>T on transcript NM_016628.5 (MANE Select); coding-DNA position 1198, C replaced by T.
Protein change: p.Gln400Ter; replaces glutamine 400 with a stop codon.
Molecular consequence: nonsense.
Genome position (GRCh38, 1-based): chr10:28,610,731, C>T. VCF-style: chr10-28610731-C-T. GRCh37 (hg19) VCF-style: chr10-28899660-C-T.
Other names: c.1063C>T, p.Gln355Ter (NM_100264.3); c.889C>T, p.Gln297Ter (NM_100486.4); short protein forms Q355*, Q400*, Q297*.
Identifiers: ClinVar variation 424030 (VCV000424030.3), dbSNP rs1064796758, ClinGen allele CA16618954.